The following is an entry in ClinVar:

NM_000369.5(TSHR):c.2161G>T (p.Val721Phe)

Genes: TSHR (thyroid stimulating hormone receptor; plus strand), TSHR-AS1 (TSHR antisense RNA 1; minus strand). Cytogenetic location: 14q31.1.
Variant type: single nucleotide variant.
Coding change: c.2161G>T on transcript NM_000369.5 (MANE Select); coding-DNA position 2161, G replaced by T.
Protein change: p.Val721Phe; replaces valine 721 with phenylalanine.
Molecular consequence: missense variant.
Genome position (GRCh38, 1-based): chr14:81,144,219, G>T. VCF-style: chr14-81144219-G-T. GRCh37 (hg19) VCF-style: chr14-81610563-G-T.
Other names: short protein forms V721F.
Identifiers: ClinVar variation 135399 (VCV000135399.13), dbSNP rs61745409, ClinGen allele CA162646.

ClinVar aggregate classification (germline): Conflicting classifications of pathogenicity. Review status: criteria provided, conflicting classifications (1 of 4 stars). 5 submissions from 4 submitters: Uncertain significance (1); Benign (2). 2 of the submissions do not count toward it. Last evaluated 2025-12-13.

Conditions:
Hypothyroidism due to TSH receptor mutations. Also called: Hypothyroidism, congenital, nongoitrous, 1; HYPOTHYROIDISM DUE TO UNRESPONSIVENESS TO THYROTROPIN; HYPOTHYROIDISM, CONGENITAL, DUE TO TSH RESISTANCE; HYPOTHYROIDISM, NONAUTOIMMUNE; THYROID-STIMULATING HORMONE, RESISTANCE TO; TSH RESISTANCE. Identifiers: Orphanet 90673, MedGen C3493776, MONDO:0010142, OMIM 275200.
Familial hyperthyroidism due to mutations in TSH receptor. Also called: HYPERTHYROIDISM, CONGENITAL NONAUTOIMMUNE; HYPERTHYROIDISM, NONAUTOIMMUNE, AUTOSOMAL DOMINANT; TOXIC THYROID HYPERPLASIA, AUTOSOMAL DOMINANT. Identifiers: Orphanet 424, MedGen C1836706, MONDO:0012203, OMIM 609152.

Allele frequency attached by ClinVar (database versions not stated): gnomAD 0.00035; TOPMed 0.00068; ESP Exome Variant Server 0.00077.
gnomAD v4.1: 1,192 of 1,613,360 alleles (0.074%); highest among the groups gnomAD compares: Admixed American, 0.017%; 13 homozygotes.

Submissions (5):

Labcorp Genetics (formerly Invitae), Labcorp
Classification: Benign. Last evaluated: 2025-12-13. Review status: criteria provided, single submitter. Criteria: Invitae Variant Classification Sherloc (09022015). Collection method: clinical testing. Allele origin: germline.

Illumina Laboratory Services, Illumina
Classification: Benign for Familial hyperthyroidism due to mutations in TSH receptor. Last evaluated: 2018-01-13. Review status: criteria provided, single submitter. Criteria: ICSL Variant Classification Criteria 13 December 2019. Collection method: clinical testing. Allele origin: germline.
Comment: This variant was observed in the ICSL laboratory as part of a predisposition screen in an ostensibly healthy population. It had not been previously curated by ICSL or reported in the Human Gene Mutation Database (HGMD: prior to June 1st, 2018), and was therefore a candidate for classification through an automated scoring system. Utilizing variant allele frequency, disease prevalence and penetrance estimates, and inheritance mode, an automated score was calculated to assess if this variant is too frequent to cause the disease. Based on the score and internal cut-off values, a variant classified as benign is not then subjected to further curation. The score for this variant resulted in a classification of benign for this disease.

Illumina Laboratory Services, Illumina
Classification: Uncertain significance for Hypothyroidism due to TSH receptor mutations. Last evaluated: 2018-01-13. Review status: criteria provided, single submitter. Criteria: ICSL Variant Classification Criteria 13 December 2019. Collection method: clinical testing. Allele origin: germline.

ITMI
No classification provided. Condition: AllHighlyPenetrant. Last evaluated: 2013-09-19. Review status: no classification provided. Collection method: reference population. Allele origin: germline. Not counted in ClinVar's aggregate classification.
Comment: Please see associated publication for description of ethnicities

Department of Pathology and Laboratory Medicine, Sinai Health System
Classification: Uncertain significance. Review status: no assertion criteria provided. Collection method: clinical testing. Allele origin: unknown. Affected: yes. Study: The Canadian Open Genetics Repository (COGR). Not counted in ClinVar's aggregate classification.
Comment: The TSHR p.V721F variant was not identified in the literature but was identified in dbSNP (ID: rs61745409) and ClinVar (classified as uncertain significance by Illumina for congenital nongoitrous hypothyroidism 1; and as benign by Invitae Illumina for non-autoimmune hyperthyroidism).Â¬â€ The variant was identified in control databases in 354 of 282230 chromosomes (2 homozygous) at a frequency of 0.001254, and was observed at the highest frequency in the Ashkenazi Jewish population in 291 of 10266 chromosomes (2 homozygous) (freq: 0.02835) (Genome Aggregation Database March 6, 2019, v2.1.1). The p.V721 residue is not conserved in mammals and computational analyses (MUT Assesor, PolyPhen-2, SIFT, MutationTaster, Revel, FATHMM, MetaLR, DANN) do not suggest a high likelihood of impact the protein.Â¬â€ The variant occurs outside of the splicing consensus sequence and in silico or computational prediction software programs (Splice AI exome) do not predict a difference in splicing.Â¬â€ In summary, based on the above information the clinical significance of this variant cannot be determined with certainty at this time although we would lean towards a more benign role for this variant. This variant is classified as likely benign.

Literature cited by the submitters: PubMed 24728327 (cited by ITMI).